The following is an entry in ClinVar:

ClinVar aggregate classification (germline): Pathogenic/Likely pathogenic. Review status: criteria provided, multiple submitters, no conflicts (2 of 4 stars). 2 submissions from 2 submitters: Pathogenic (1); Likely pathogenic (1). Last evaluated 2023-12-01.

Conditions:
Multiple congenital exostosis (EXT). Also called: Hereditary multiple osteochondromas; Multiple exostoses; MULTIPLE CARTILAGINOUS EXOSTOSES; Multiple osteochondromas; Hereditary multiple exostoses; Hereditary multiple exostosis. Identifiers: Orphanet 321, MedGen C0015306, MONDO:0005508, HP:0002762.

Submissions (2):

CeGaT Center for Human Genetics Tuebingen
Classification: Likely pathogenic. Last evaluated: 2023-12-01. Review status: criteria provided, single submitter. Criteria: CeGaT Center For Human Genetics Tuebingen Variant Classification Criteria Version 2. Collection method: clinical testing. Allele origin: germline. Affected: yes. Observed: 1 variant allele.
Comment: EXT1: PM2, PP1:Moderate, PP4:Moderate, PP3, PS4:Supporting

Labcorp Genetics (formerly Invitae), Labcorp
Classification: Pathogenic for Multiple congenital exostosis. Last evaluated: 2019-09-26. Review status: criteria provided, single submitter. Criteria: Invitae Variant Classification Sherloc (09022015). Collection method: clinical testing. Allele origin: germline.
Comment: For these reasons, this variant has been classified as Pathogenic. Nucleotide substitutions within the consensus splice site are a relatively common cause of aberrant splicing (PMID: 17576681, 9536098). Algorithms developed to predict the effect of sequence changes on RNA splicing suggest that this variant may disrupt the consensus splice site, but this prediction has not been confirmed by published transcriptional studies. Algorithms developed to predict the effect of missense changes on protein structure and function are either unavailable or do not agree on the potential impact of this missense change (SIFT: "Deleterious"; PolyPhen-2: "Probably Damaging"; Align-GVGD: "Class C0"). This variant has been observed to segregate with hereditary multiple osteochondromas (HMO) in a family and has also been observed in several individuals affected with HMO (PMID: 29989442, Invitae). This variant is not present in population databases (ExAC no frequency). This sequence change replaces glutamine with histidine at codon 352 of the EXT1 protein (p.Gln352His). The glutamine residue is highly conserved and there is a small physicochemical difference between glutamine and histidine. This variant also falls at the last nucleotide of exon 2 of the EXT1 coding sequence, which is part of the consensus splice site for this exon.

Literature cited by the submitters: PubMed 17576681 (cited by Labcorp Genetics (formerly Invitae), Labcorp); PubMed 9536098 (cited by Labcorp Genetics (formerly Invitae), Labcorp); PubMed 29989442 (cited by Labcorp Genetics (formerly Invitae), Labcorp).

NM_000127.3(EXT1):c.1056G>T (p.Gln352His)

Gene: EXT1 (exostosin glycosyltransferase 1; minus strand). Cytogenetic location: 8q24.11.
Variant type: single nucleotide variant.
Coding change: c.1056G>T on transcript NM_000127.3 (MANE Select); coding-DNA position 1056, G replaced by T.
Protein change: p.Gln352His; replaces glutamine 352 with histidine.
Molecular consequence: missense variant.
Genome position (GRCh38, 1-based): chr8:117,837,108, C>A on the plus strand (G>T on the coding strand, the complement: EXT1 is on the minus strand). VCF-style: chr8-117837108-C-A. GRCh37 (hg19) VCF-style: chr8-118849347-C-A.
Other names: short protein forms Q352H.
Identifiers: ClinVar variation 957776 (VCV000957776.31), dbSNP rs1812199676, ClinGen allele CA371893199.